The following is an entry in ClinVar:

NM_004187.5(KDM5C):c.108C>T (p.Pro36=)

Genes: KDM5C (lysine demethylase 5C; minus strand), LOC130068308 (ATAC-STARR-seq lymphoblastoid active region 29656; plus strand). Cytogenetic location: Xp11.22.
Variant type: single nucleotide variant.
Coding change: c.108C>T on transcript NM_004187.5 (MANE Select); coding-DNA position 108, C replaced by T.
Protein change: p.Pro36=; no amino-acid change (proline 36 retained).
Molecular consequence: synonymous variant. On other transcripts: non-coding transcript variant (3).
Genome position (GRCh38, 1-based): chrX:53,224,782, G>A on the plus strand (C>T on the coding strand, the complement: KDM5C is on the minus strand). VCF-style: chrX-53224782-G-A. GRCh37 (hg19) VCF-style: chrX-53253964-G-A.
Other names: c.108C>T, p.Pro36= (NM_001146702.2, NM_001282622.3, NM_001353978.3 and 4 more transcripts).
Identifiers: ClinVar variation 281538 (VCV000281538.22), dbSNP rs139309563, ClinGen allele CA10419752.

ClinVar aggregate classification (germline): Benign/Likely benign. Review status: criteria provided, multiple submitters, no conflicts (2 of 4 stars). 6 submissions from 6 submitters: Benign (3); Likely benign (2). 1 of the submissions does not count toward it. Last evaluated 2026-01-28.

Conditions:
Inborn genetic diseases. Identifiers: MedGen C0950123, MeSH D030342.
KDM5C-related disorder. Also called: KDM5C-related condition.
Spastic paraplegia. Identifiers: MedGen C0037772, HP:0001258.

Allele frequency attached by ClinVar (database versions not stated): TOPMed 0.00065; 1000 Genomes Project 0.00079; ExAC 0.00031; 1000 Genomes Project 30x 0.00062; gnomAD 0.00074 and 0.00077; gnomAD exomes 0.00020; ESP Exome Variant Server 0.00095.
gnomAD v4.1: 148 of 1,210,568 alleles (0.012%); highest among the groups gnomAD compares: African/African-American, 0.24%; no homozygotes.

Submissions (6):

Labcorp Genetics (formerly Invitae), Labcorp
Classification: Benign for Spastic paraplegia. Last evaluated: 2026-01-28. Review status: criteria provided, single submitter. Criteria: Invitae Variant Classification Sherloc (09022015). Collection method: clinical testing. Allele origin: germline.

GeneDx
Classification: Benign. Last evaluated: 2021-08-11. Review status: criteria provided, single submitter. Criteria: GeneDx Variant Classification Process June 2021. Collection method: clinical testing. Allele origin: germline. Affected: yes.

Ambry Genetics
Classification: Likely benign for Inborn genetic diseases. Last evaluated: 2019-04-14. Review status: criteria provided, single submitter. Criteria: Ambry Variant Classification Scheme 2023. Collection method: clinical testing. Allele origin: germline.

Genetic Services Laboratory, University of Chicago
Classification: Likely benign. Last evaluated: 2016-11-18. Review status: criteria provided, single submitter. Criteria: ACMG Guidelines, 2015. Collection method: clinical testing. Allele origin: germline. Affected: no.

Eurofins Ntd Llc (ga)
Classification: Benign. Last evaluated: 2015-06-29. Review status: criteria provided, single submitter. Criteria: EGL Classification Definitions 2015. Collection method: clinical testing. Allele origin: germline. Observed: 1 variant allele, 1 heterozygote.

PreventionGenetics, part of Exact Sciences
Classification: Likely benign for KDM5C-related condition. Last evaluated: 2019-08-13. Review status: no assertion criteria provided. Collection method: clinical testing. Allele origin: germline. Not counted in ClinVar's aggregate classification.
Comment: This variant is classified as likely benign based on ACMG/AMP sequence variant interpretation guidelines (Richards et al. 2015 PMID: 25741868, with internal and published modifications).